The following is an entry in ClinVar:

NM_000814.6(GABRB3):c.240G>A (p.Met80Ile)

Gene: GABRB3 (gamma-aminobutyric acid type A receptor subunit beta3; minus strand). Cytogenetic location: 15q12.
Variant type: single nucleotide variant.
Coding change: c.240G>A on transcript NM_000814.6 (MANE Select); coding-DNA position 240, G replaced by A.
Protein change: p.Met80Ile; replaces methionine 80 with isoleucine.
Molecular consequence: missense variant. On other transcripts: 5 prime UTR variant (1).
Genome position (GRCh38, 1-based): chr15:26,772,402, C>T on the plus strand (G>A on the coding strand, the complement: GABRB3 is on the minus strand). VCF-style: chr15-26772402-C-T. GRCh37 (hg19) VCF-style: chr15-27017549-C-T.
Other names: c.-112G>A (NM_001278631.2); c.240G>A, p.Met80Ile (NM_021912.5); short protein forms M80I.
Identifiers: ClinVar variation 1360589 (VCV001360589.8), dbSNP rs2140199021, ClinGen allele CA391465158.

ClinVar aggregate classification (germline): Uncertain significance (1 of 4 stars; one submission).

Conditions:
Epilepsy, childhood absence, susceptibility to, 5. Identifiers: Orphanet 64280, MedGen C2677087, MONDO:0012843, OMIM 612269.
Epilepsy, childhood absence, susceptibility to, 1. Also called: Epilepsy, childhood absence 1. Identifiers: Orphanet 64280, MedGen C1838604, MONDO:0020759, OMIM 600131.

Submission:

Labcorp Genetics (formerly Invitae), Labcorp
Classification: Uncertain significance for Epilepsy, childhood absence, susceptibility to, 5; Epilepsy, childhood absence, susceptibility to, 1. Last evaluated: 2021-06-12. Review status: criteria provided, single submitter. Criteria: Invitae Variant Classification Sherloc (09022015). Collection method: clinical testing. Allele origin: germline.
Comment: This variant is not present in population databases (ExAC no frequency). This sequence change replaces methionine with isoleucine at codon 80 of the GABRB3 protein (p.Met80Ile). The methionine residue is moderately conserved and there is a small physicochemical difference between methionine and isoleucine. This variant also falls at the last nucleotide of exon 3, which is part of the consensus splice site for this exon. This variant has been observed in individual(s) with clinical features of GABRB3-related conditions (Invitae). In summary, the available evidence is currently insufficient to determine the role of this variant in disease. Therefore, it has been classified as a Variant of Uncertain Significance. This variant disrupts the p.Met80 amino acid residue in GABRB3. Other variant(s) that disrupt this residue have been determined to be pathogenic (PMID: 31164858, Invitae). This suggests that this residue is clinically significant, and that variants that disrupt this residue are likely to be disease-causing. Nucleotide substitutions within the consensus splice site are a relatively common cause of aberrant splicing (PMID: 17576681, 9536098). Algorithms developed to predict the effect of sequence changes on RNA splicing suggest that this variant may disrupt the consensus splice site, but this prediction has not been confirmed by published transcriptional studies. Algorithms developed to predict the effect of missense changes on protein structure and function are either unavailable or do not agree on the potential impact of this missense change (SIFT: "Tolerated"; PolyPhen-2: "Possibly Damaging"; Align-GVGD: "Class C0").

Literature cited by the submitters: PubMed 31164858; PubMed 17576681; PubMed 9536098.